The following is an entry in ClinVar:

ClinVar aggregate classification (germline): Uncertain significance. Review status: criteria provided, multiple submitters, no conflicts (2 of 4 stars). 6 submissions from 6 submitters: Uncertain significance (6). Last evaluated 2025-09-02.

Conditions:
Colorectal cancer, susceptibility to, 12 (CRCS12). Also called: COLORECTAL CANCER, SUSCEPTIBILITY TO, ON CHROMOSOME 12q24. Identifiers: Orphanet 220460, MedGen C3554460, MONDO:0014038, OMIM 615083.
Hereditary cancer-predisposing syndrome. Also called: Neoplastic Syndromes, Hereditary; Tumor predisposition; Hereditary Cancer Syndrome; Hereditary neoplastic syndrome. Identifiers: Orphanet 140162, MedGen C0027672, MeSH D009386, MONDO:0015356.

Allele frequency attached by ClinVar (database versions not stated): gnomAD exomes below 0.00001; TOPMed below 0.00001; gnomAD 0.00001.
gnomAD v4.1: 6 of 1,613,702 alleles (0.00037%); highest among the groups gnomAD compares: Admixed American, 0.005%; no homozygotes.

Submissions (6):

Labcorp Genetics (formerly Invitae), Labcorp
Classification: Uncertain significance. Last evaluated: 2025-09-02. Review status: criteria provided, single submitter. Criteria: Invitae Variant Classification Sherloc (09022015). Collection method: clinical testing. Allele origin: germline.
Comment: This sequence change replaces arginine, which is basic and polar, with cysteine, which is neutral and slightly polar, at codon 1858 of the POLE protein (p.Arg1858Cys). This variant is present in population databases (no rsID available, gnomAD 0.006%). This variant has not been reported in the literature in individuals affected with POLE-related conditions. ClinVar contains an entry for this variant (Variation ID: 473745). Invitae Evidence Modeling of protein sequence and biophysical properties (such as structural, functional, and spatial information, amino acid conservation, physicochemical variation, residue mobility, and thermodynamic stability) indicates that this missense variant is expected to disrupt POLE protein function with a positive predictive value of 80%. In summary, the available evidence is currently insufficient to determine the role of this variant in disease. Therefore, it has been classified as a Variant of Uncertain Significance.

Ambry Genetics
Classification: Uncertain significance for Hereditary cancer-predisposing syndrome. Last evaluated: 2025-03-10. Review status: criteria provided, single submitter. Criteria: Ambry Variant Classification Scheme 2023. Collection method: clinical testing. Allele origin: germline.
Comment: The p.R1858C variant (also known as c.5572C>T), located in coding exon 41 of the POLE gene, results from a C to T substitution at nucleotide position 5572. The arginine at codon 1858 is replaced by cysteine, an amino acid with highly dissimilar properties. This amino acid position is conserved. In addition, this alteration is predicted to be deleterious by in silico analysis. Based on the available evidence, the clinical significance of this variant remains unclear.

Center for Genomic Medicine, Rigshospitalet, Copenhagen University Hospital
Classification: Uncertain significance. Last evaluated: 2025-03-04. Review status: criteria provided, single submitter. Criteria: ACMG Guidelines, 2015. Collection method: clinical testing. Allele origin: germline.

St. Jude Molecular Pathology, St. Jude Children's Research Hospital
Classification: Uncertain significance for Colorectal cancer, susceptibility to, 12. Last evaluated: 2025-02-05. Review status: criteria provided, single submitter. Criteria: St. Jude Assertion Criteria 2020. Collection method: clinical testing. Allele origin: germline.
Comment: The POLE c.5572C>T (p.Arg1858Cys) missense change has a maximum subpopulation frequency of 0.0.0056% in gnomAD v2.1.1. The in silico tool REVEL predicts a deleterious effect on protein function, but to our knowledge this prediction has not been confirmed by functional studies. To our knowledge, this variant has not been reported in the literature in individuals with POLE-related disease. In summary, the evidence currently available is insufficient to determine the clinical significance of this variant. It has therefore been classified as of uncertain significance.

GeneDx
Classification: Uncertain significance. Last evaluated: 2024-01-16. Review status: criteria provided, single submitter. Criteria: GeneDx Variant Classification Process June 2021. Collection method: clinical testing. Allele origin: germline. Affected: yes.
Comment: Not observed at significant frequency in large population cohorts (gnomAD); In silico analysis supports that this missense variant has a deleterious effect on protein structure/function; Has not been previously published as pathogenic or benign to our knowledge; This variant is associated with the following publications: (PMID: 28481359, 29056344)

Quest Diagnostics Nichols Institute San Juan Capistrano
Classification: Uncertain significance. Last evaluated: 2018-07-16. Review status: criteria provided, single submitter. Criteria: Quest Diagnostics criteria. Collection method: clinical testing. Allele origin: germline.

NM_006231.4(POLE):c.5572C>T (p.Arg1858Cys)

Gene: POLE (DNA polymerase epsilon, catalytic subunit; minus strand). Cytogenetic location: 12q24.33.
Variant type: single nucleotide variant.
Coding change: c.5572C>T on transcript NM_006231.4 (MANE Select); coding-DNA position 5572, C replaced by T.
Protein change: p.Arg1858Cys; replaces arginine 1858 with cysteine.
Molecular consequence: missense variant.
Genome position (GRCh38, 1-based): chr12:132,638,120, G>A on the plus strand (C>T on the coding strand, the complement: POLE is on the minus strand). VCF-style: chr12-132638120-G-A. GRCh37 (hg19) VCF-style: chr12-133214706-G-A.
Other names: c.5572C>T (NM_006231.2); short protein forms R1858C.
Identifiers: ClinVar variation 473745 (VCV000473745.21), dbSNP rs1193081581, ClinGen allele CA387374179.
Genomic context (GRCh38, chr12:132,638,120, plus strand): 5'-GCTTCTTTGTACAGAGGATGATGCGGTTGAAGTTGGCGTAGATGACTGATGACCCCAGGC[G>A]CTTGAACTCAGCGATGAGCCTGTGGAGCAAGTTGAGAGTCCGTGGTGGAGACGCCACAGT-3'
Protein context (NP_006222.2, residues 1848-1868): LFLQLIAEFK[Arg1858Cys]LGSSVIYANF